The following is an entry in ClinVar:

ClinVar aggregate classification (germline): Likely benign (1 of 4 stars; one submission).

Submission:

CeGaT Center for Human Genetics Tuebingen
Classification: Likely benign. Last evaluated: 2025-04-01. Review status: criteria provided, single submitter. Criteria: CeGaT Center For Human Genetics Tuebingen Variant Classification Criteria Version 2. Collection method: clinical testing. Allele origin: germline. Affected: yes. Observed: 1 variant allele.
Comment: DGCR6: BP4, BP7

NM_005675.6(DGCR6):c.330T>C (p.His110=)

Gene: DGCR6 (DiGeorge syndrome critical region gene 6; plus strand). Cytogenetic location: 22q11.21.
Variant type: single nucleotide variant.
Coding change: c.330T>C on transcript NM_005675.6 (MANE Select); coding-DNA position 330, T replaced by C.
Protein change: p.His110=; no amino-acid change (histidine 110 retained).
Molecular consequence: synonymous variant.
Genome position (GRCh38, 1-based): chr22:18,910,230, T>C. VCF-style: chr22-18910230-T-C. GRCh37 (hg19) VCF-style: chr22-18897743-T-C.
Identifiers: ClinVar variation 3898107 (VCV003898107.7).